The following is an entry in ClinVar:

NM_001098.3(ACO2):c.1738G>T (p.Glu580Ter)

Gene: ACO2 (aconitase 2; plus strand). Cytogenetic location: 22q13.2.
Variant type: single nucleotide variant.
Coding change: c.1738G>T on transcript NM_001098.3 (MANE Select); coding-DNA position 1738, G replaced by T.
Protein change: p.Glu580Ter; replaces glutamic acid 580 with a stop codon.
Molecular consequence: nonsense.
Genome position (GRCh38, 1-based): chr22:41,525,325, G>T. VCF-style: chr22-41525325-G-T. GRCh37 (hg19) VCF-style: chr22-41921329-G-T.
Other names: short protein forms E580*.
Identifiers: ClinVar variation 4723681 (VCV004723681.1).
Genomic context (GRCh38, chr22:41,525,325, plus strand): 5'-CCCACCAGCCAGCGCCTGCAGCTCCTGGAGCCTTTTGACAAGTGGGATGGCAAGGACCTG[G>T]AGGACCTGCAGATCCTCATCAAGGTCAGCAGCATGGGGACGGCAGGACAGCCCCACCCTG-3'

ClinVar aggregate classification (germline): Pathogenic (1 of 4 stars; one submission).

Submission:

Labcorp Genetics (formerly Invitae), Labcorp
Classification: Pathogenic. Last evaluated: 2025-07-21. Review status: criteria provided, single submitter. Criteria: Invitae Variant Classification Sherloc (09022015). Collection method: clinical testing. Allele origin: germline.
Comment: This sequence change creates a premature translational stop signal (p.Glu580*) in the ACO2 gene. It is expected to result in an absent or disrupted protein product. Loss-of-function variants in ACO2 are known to be pathogenic (PMID: 30689204, 32519519). This variant is not present in population databases (gnomAD no frequency). This variant has not been reported in the literature in individuals affected with ACO2-related conditions. For these reasons, this variant has been classified as Pathogenic.

Literature cited by the submitters: PubMed 30689204; PubMed 32519519.